The following is an entry in ClinVar:

ClinVar aggregate classification (germline): Conflicting classifications of pathogenicity. Review status: criteria provided, conflicting classifications (1 of 4 stars). 2 submissions from 2 submitters: Uncertain significance (1); Likely benign (1). Last evaluated 2025-10-27.

Conditions:
Inborn genetic diseases. Identifiers: MedGen C0950123, MeSH D030342.

Allele frequency attached by ClinVar (database versions not stated): ExAC 0.00001; TOPMed 0.00002.
gnomAD v4.1: 4 of 1,611,518 alleles (0.00025%); highest among the groups gnomAD compares: East Asian, 0.0045%; no homozygotes.

Submissions (2):

Ambry Genetics
Classification: Uncertain significance for Inborn genetic diseases. Last evaluated: 2025-10-27. Review status: criteria provided, single submitter. Criteria: Ambry Variant Classification Scheme 2023. Collection method: clinical testing. Allele origin: germline.
Comment: The c.788C>T (p.P263L) alteration is located in exon 7 (coding exon 5) of the RHOBTB2 gene. This alteration results from a C to T substitution at nucleotide position 788, causing the proline (P) at amino acid position 263 to be replaced by a leucine (L). Based on data from gnomAD, the T allele has an overall frequency of <0.001% (1/247330) total alleles studied. The highest observed frequency was 0.006% (1/18312) of East Asian alleles. Based on insufficient or conflicting evidence, the clinical significance of this alteration remains unclear.

Labcorp Genetics (formerly Invitae), Labcorp
Classification: Likely benign. Last evaluated: 2025-03-23. Review status: criteria provided, single submitter. Criteria: Invitae Variant Classification Sherloc (09022015). Collection method: clinical testing. Allele origin: germline.

NM_015178.3(RHOBTB2):c.722C>T (p.Pro241Leu)

Gene: RHOBTB2 (Rho related BTB domain containing 2; plus strand). Cytogenetic location: 8p21.3.
Variant type: single nucleotide variant.
Coding change: c.722C>T on transcript NM_015178.3 (MANE Select); coding-DNA position 722, C replaced by T.
Protein change: p.Pro241Leu; replaces proline 241 with leucine.
Molecular consequence: missense variant.
Genome position (GRCh38, 1-based): chr8:23,006,967, C>T. VCF-style: chr8-23006967-C-T. GRCh37 (hg19) VCF-style: chr8-22864480-C-T.
Other names: c.788C>T (NM_001160036.1); c.788C>T, p.Pro263Leu (NM_001160036.2); c.743C>T, p.Pro248Leu (NM_001160037.2); c.722C>T, p.Pro241Leu (NM_001374791.1); short protein forms P263L, P241L, P248L.
Identifiers: ClinVar variation 2793748 (VCV002793748.4), dbSNP rs762088543, ClinGen allele CA4672519.